The following is an entry in ClinVar:

NM_001134831.2(AHI1):c.2714G>C (p.Cys905Ser)

Gene: AHI1 (Abelson helper integration site 1; minus strand). Cytogenetic location: 6q23.3.
Variant type: single nucleotide variant.
Coding change: c.2714G>C on transcript NM_001134831.2 (MANE Select); coding-DNA position 2714, G replaced by C.
Protein change: p.Cys905Ser; replaces cysteine 905 with serine.
Molecular consequence: missense variant.
Genome position (GRCh38, 1-based): chr6:135,427,217, C>G on the plus strand (G>C on the coding strand, the complement: AHI1 is on the minus strand). VCF-style: chr6-135427217-C-G. GRCh37 (hg19) VCF-style: chr6-135748355-C-G.
Other names: c.2714G>C, p.Cys905Ser (NM_001134830.2, NM_001134832.2, NM_001350503.2 and 2 more transcripts); short protein forms C905S.
Identifiers: ClinVar variation 389095 (VCV000389095.23), dbSNP rs199879855, ClinGen allele CA4012295.

ClinVar aggregate classification (germline): Conflicting classifications of pathogenicity. Review status: criteria provided, conflicting classifications (1 of 4 stars). 6 submissions from 6 submitters: Uncertain significance (2); Likely benign (3). 1 of the submissions does not count toward it. Last evaluated 2026-09-05.

Conditions:
AHI1-related disorder. Also called: AHI1-related condition.
Intellectual disability. Also called: Intellectual developmental disorder; Intellectual functioning disability; intellectual disabilities. Identifiers: MedGen C3714756, MeSH D008607, MONDO:0001071, HP:0001249.
Joubert syndrome. Also called: JOUBERT-BOLTSHAUSER SYNDROME; Familial aplasia of the vermis. Identifiers: Orphanet 475, MedGen C5979921, MONDO:0018772.

Allele frequency attached by ClinVar (database versions not stated): 1000 Genomes Project 0.00100; gnomAD 0.00133 and 0.00144; ESP Exome Variant Server 0.00135; TOPMed 0.00136; 1000 Genomes Project 30x 0.00141.
gnomAD v4.1: 358 of 1,610,646 alleles (0.022%); highest among the groups gnomAD compares: African/African-American, 0.45%; no homozygotes.

Submissions (6):

GeneDx
Classification: Uncertain significance. Last evaluated: 2026-09-05. Review status: criteria provided, single submitter. Criteria: GeneDx Variant Classification Process June 2021. Collection method: clinical testing. Allele origin: germline.
Comment: In silico analysis supports that this missense variant has a deleterious effect on protein structure/function; Identified in a patient with focal and segmental glomerulosclerosis and a second variant in the AHI1 gene classified as benign in published literature (PMID: 31308072); This variant is associated with the following publications: (PMID: 31308072, 15467982)

Labcorp Genetics (formerly Invitae), Labcorp
Classification: Likely benign for Joubert syndrome. Last evaluated: 2026-01-26. Review status: criteria provided, single submitter. Criteria: Invitae Variant Classification Sherloc (09022015). Collection method: clinical testing. Allele origin: germline.

Blueprint Genetics
Classification: Likely benign. Last evaluated: 2024-02-28. Review status: criteria provided, single submitter. Criteria: ACMG Guidelines, 2015. Collection method: clinical testing. Allele origin: germline.

Women's Health and Genetics/Laboratory Corporation of America, LabCorp
Classification: Likely benign. Last evaluated: 2023-06-22. Review status: criteria provided, single submitter. Criteria: LabCorp Variant Classification Summary - May 2015. Collection method: clinical testing. Allele origin: germline.
Comment: Variant summary: AHI1 c.2714G>C (p.Cys905Ser) results in a non-conservative amino acid change located in the WD40 repeat (IPR001680) of the encoded protein sequence. Three of five in-silico tools predict a damaging effect of the variant on protein function. The variant allele was found at a frequency of 0.00043 in 277718 control chromosomes (gnomAD), predominantly at a frequency of 0.0045 within the African or African-American subpopulation in the gnomAD database. The observed variant frequency within African or African-American control individuals in the gnomAD database is approximately 4 fold of the estimated maximal expected allele frequency for a pathogenic variant in AHI1 causing Joubert Syndrome And Related Disorders (0.0013), strongly suggesting that the variant is a benign polymorphism found primarily in populations of African or African-American origin. To our knowledge, no occurrence of c.2714G>C in individuals affected with Joubert Syndrome And Related Disorders and no experimental evidence demonstrating its impact on protein function have been reported. Three ClinVar submitters have assessed the variant since 2014: two classified the variant as uncertain significance and one as likely benign. Based on the evidence outlined above, the variant was classified as likely benign.

Cambridge Genomics Laboratory, East Genomic Laboratory Hub, NHS Genomic Medicine Service
Classification: Uncertain significance for Intellectual disability. Last evaluated: 2019-12-06. Review status: criteria provided, single submitter. Criteria: ACGS Best Practice Guidelines for Variant Classification in Rare Disease 2020. Collection method: clinical testing. Allele origin: germline. Affected: yes. Observed: 1 variant allele.

PreventionGenetics, part of Exact Sciences
Classification: Likely benign for AHI1-related condition. Last evaluated: 2024-08-29. Review status: no assertion criteria provided. Collection method: clinical testing. Allele origin: germline. Not counted in ClinVar's aggregate classification.
Comment: This variant is classified as likely benign based on ACMG/AMP sequence variant interpretation guidelines (Richards et al. 2015 PMID: 25741868, with internal and published modifications).